The following is an entry in ClinVar:

NM_001253697.2(ERBIN):c.1679A>G (p.Lys560Arg)

Gene: ERBIN (erbb2 interacting protein; plus strand). Cytogenetic location: 5q12.3.
Variant type: single nucleotide variant.
Coding change: c.1679A>G on transcript NM_001253697.2 (MANE Select); coding-DNA position 1679, A replaced by G.
Protein change: p.Lys560Arg; replaces lysine 560 with arginine.
Molecular consequence: missense variant.
Genome position (GRCh38, 1-based): chr5:66,046,429, A>G. VCF-style: chr5-66046429-A-G. GRCh37 (hg19) VCF-style: chr5-65342257-A-G.
Other names: c.1679A>G, p.Lys560Arg (NM_001006600.3, NM_001253698.2, NM_001253699.2 and 1 more transcripts); c.1667A>G, p.Lys556Arg (NM_001253701.2); short protein forms K556R, K560R.
Identifiers: ClinVar variation 1965290 (VCV001965290.5), dbSNP rs1223624493, ClinGen allele CA359862577.

ClinVar aggregate classification (germline): Uncertain significance (1 of 4 stars; one submission).

Allele frequency attached by ClinVar (database versions not stated): gnomAD exomes below 0.00001; TOPMed 0.00002; gnomAD 0.00003.
gnomAD v4.1: 5 of 1,612,318 alleles (0.00031%); highest among the groups gnomAD compares: African/African-American, 0.0067%; no homozygotes.

Submission:

Labcorp Genetics (formerly Invitae), Labcorp
Classification: Uncertain significance. Last evaluated: 2022-03-18. Review status: criteria provided, single submitter. Criteria: Invitae Variant Classification Sherloc (09022015). Collection method: clinical testing. Allele origin: germline.
Comment: This variant is present in population databases (no rsID available, gnomAD 0.01%). In summary, the available evidence is currently insufficient to determine the role of this variant in disease. Therefore, it has been classified as a Variant of Uncertain Significance. Algorithms developed to predict the effect of missense changes on protein structure and function are either unavailable or do not agree on the potential impact of this missense change (SIFT: "Deleterious"; PolyPhen-2: "Benign"; Align-GVGD: "Class C0"). This variant has not been reported in the literature in individuals affected with ERBIN-related conditions. This sequence change replaces lysine, which is basic and polar, with arginine, which is basic and polar, at codon 560 of the ERBIN protein (p.Lys560Arg).